The following is an entry in ClinVar:

ClinVar aggregate classification (germline): Conflicting classifications of pathogenicity. Review status: criteria provided, conflicting classifications (1 of 4 stars). 3 submissions from 3 submitters: Uncertain significance (2); Likely benign (1). Last evaluated 2025-12-16.

Conditions:
Catecholaminergic polymorphic ventricular tachycardia 1. Also called: VENTRICULAR TACHYCARDIA, CATECHOLAMINERGIC POLYMORPHIC, 1, WITH OR WITHOUT ATRIAL DYSFUNCTION AND/OR DILATED CARDIOMYOPATHY; VENTRICULAR TACHYCARDIA, STRESS-INDUCED POLYMORPHIC 1; RYR2-Related Catecholaminergic Polymorphic Ventricular Tachycardia. Identifiers: Orphanet 3286, MedGen C1631597, MONDO:0011484, OMIM 604772.
Cardiovascular phenotype. Identifiers: MedGen CN230736.
Cardiomyopathy (CMYO). Also called: Cardiomyopathies. Identifiers: Orphanet 167848, MedGen C0878544, MONDO:0004994, HP:0001638. Inheritance: Various modes of inheritance.

Submissions (3):

Color Diagnostics, LLC DBA Color Health
Classification: Uncertain significance for Cardiomyopathy. Last evaluated: 2025-12-16. Review status: criteria provided, single submitter. Criteria: ACMG Guidelines, 2015. Collection method: clinical testing. Allele origin: germline.
Comment: This missense variant replaces serine with glycine at codon 437 of the RYR2 protein. Computational prediction suggests that this variant may not impact protein structure and function. To our knowledge, functional studies have not been reported for this variant. This variant has not been reported in individuals affected with RYR2-related disorders in the literature. This variant has not been identified in the general population by the Genome Aggregation Database (gnomAD). The available evidence is insufficient to determine the role of this variant in disease conclusively. Therefore, this variant is classified as a Variant of Uncertain Significance.

Ambry Genetics
Classification: Likely benign for Cardiovascular phenotype. Last evaluated: 2024-01-23. Review status: criteria provided, single submitter. Criteria: Ambry Variant Classification Scheme 2023. Collection method: clinical testing. Allele origin: germline.

Labcorp Genetics (formerly Invitae), Labcorp
Classification: Uncertain significance for Catecholaminergic polymorphic ventricular tachycardia 1. Last evaluated: 2020-01-02. Review status: criteria provided, single submitter. Criteria: Invitae Variant Classification Sherloc (09022015). Collection method: clinical testing. Allele origin: germline.
Comment: In summary, the available evidence is currently insufficient to determine the role of this variant in disease. Therefore, it has been classified as a Variant of Uncertain Significance. Algorithms developed to predict the effect of missense changes on protein structure and function output the following: SIFT: "Deleterious"; PolyPhen-2: "Benign"; Align-GVGD: "Class C0". The glycine amino acid residue is found in multiple mammalian species, suggesting that this missense change does not adversely affect protein function. These predictions have not been confirmed by published functional studies and their clinical significance is uncertain. This variant has not been reported in the literature in individuals with RYR2-related conditions. This variant is not present in population databases (ExAC no frequency). This sequence change replaces serine with glycine at codon 437 of the RYR2 protein (p.Ser437Gly). The serine residue is highly conserved and there is a small physicochemical difference between serine and glycine.

NM_001035.3(RYR2):c.1309A>G (p.Ser437Gly)

Gene: RYR2 (ryanodine receptor 2; plus strand). Cytogenetic location: 1q43.
Variant type: single nucleotide variant.
Coding change: c.1309A>G on transcript NM_001035.3 (MANE Select); coding-DNA position 1309, A replaced by G.
Protein change: p.Ser437Gly; replaces serine 437 with glycine.
Molecular consequence: missense variant.
Genome position (GRCh38, 1-based): chr1:237,454,407, A>G. VCF-style: chr1-237454407-A-G. GRCh37 (hg19) VCF-style: chr1-237617707-A-G.
Other names: short protein forms S437G.
Identifiers: ClinVar variation 958095 (VCV000958095.12), dbSNP rs1658552670, ClinGen allele CA345379895.